The following is an entry in ClinVar:

NM_033305.3(VPS13A):c.1325_1326insATATTCTGCA (p.Asn443fs)

Gene: VPS13A (vacuolar protein sorting 13 homolog A; plus strand). Cytogenetic location: 9q21.2.
Variant type: Insertion.
Coding change: c.1325_1326insATATTCTGCA on transcript NM_033305.3 (MANE Select); coding-DNA positions 1325 to 1326, ATATTCTGCA inserted.
Protein change: p.Asn443fs; shifts the reading frame from asparagine 443.
Molecular consequence: frameshift variant.
Genome position: GRCh38 VCF-style: chr9-77226566-C-CATATTCTGCA. GRCh37 (hg19) VCF-style: chr9-79841482-C-CATATTCTGCA.
Other names: c.1325_1326insATATTCTGCA, p.Asn443fs (NM_001018037.2, NM_001018038.3, NM_015186.4); short protein forms N443fs.
Identifiers: ClinVar variation 5010915 (VCV005010915.1).

ClinVar aggregate classification (germline): Pathogenic (1 of 4 stars; one submission).

Conditions:
VPS13A-related neurodegenerative disease. Also called: ACANTHOCYTOSIS WITH NEUROLOGIC DISORDER; LEVINE-CRITCHLEY SYNDROME; Choreoacanthocytosis; Chorea-acanthocytosis; Choreaacanthocytosis; VPS13A Disease. Identifiers: Orphanet 2388, MedGen C0393576, MONDO:0008695, OMIM 200150.

Submission:

Myriad Genetics, Inc.
Classification: Pathogenic for VPS13A-related neurodegenerative disease. Last evaluated: 2024-05-14. Review status: criteria provided, single submitter. Criteria: Myriad Autosomal Dominant, Autosomal Recessive and X-Linked Classification Criteria (2023). Collection method: clinical testing. Allele origin: unknown.
Comment: NM_033305.2(VPS13A):c.1325_1326ins10(N443Yfs*4) is expected to be pathogenic in the context of VPS13A disease. This variant is predicted to lead to an abnormal or absent protein product due to the creation of a premature termination codon in VPS13A, a gene where loss-of-function variants are known to be pathogenic. Please note: this variant was assessed in the context of healthy population screening.